The following is an entry in ClinVar:

NM_004385.5(VCAN):c.4762C>A (p.Pro1588Thr)

Genes: VCAN (versican; plus strand), VCAN-AS1 (VCAN antisense RNA 1; minus strand). Cytogenetic location: 5q14.3.
Variant type: single nucleotide variant.
Coding change: c.4762C>A on transcript NM_004385.5 (MANE Select); coding-DNA position 4762, C replaced by A.
Protein change: p.Pro1588Thr; replaces proline 1588 with threonine.
Molecular consequence: missense variant. On other transcripts: intron variant (2).
Genome position (GRCh38, 1-based): chr5:83,537,765, C>A. VCF-style: chr5-83537765-C-A. GRCh37 (hg19) VCF-style: chr5-82833584-C-A.
Other names: c.1801C>A, p.Pro601Thr (NM_001164097.2); c.4004-7772C>A (NM_001164098.2); c.1043-7772C>A (NM_001126336.3); short protein forms P1588T, P601T.
Identifiers: ClinVar variation 713909 (VCV000713909.36), dbSNP rs151102598, ClinGen allele CA3333227.

ClinVar aggregate classification (germline): Conflicting classifications of pathogenicity. Review status: criteria provided, conflicting classifications (1 of 4 stars). 4 submissions from 4 submitters: Uncertain significance (1); Benign (1); Likely benign (2). Last evaluated 2026-02-01.

Conditions:
Inborn genetic diseases. Identifiers: MedGen C0950123, MeSH D030342.

Allele frequency attached by ClinVar (database versions not stated): ESP Exome Variant Server 0.00008; gnomAD exomes 0.00014 and 0.00071; gnomAD 0.00028 and 0.00038; TOPMed 0.00041; ExAC 0.00070; 1000 Genomes Project 30x 0.00281; 1000 Genomes Project 0.00300.
gnomAD v4.1: 322 of 1,613,954 alleles (0.02%); highest among the groups gnomAD compares: East Asian, 0.46%; no homozygotes.

Submissions (4):

Labcorp Genetics (formerly Invitae), Labcorp
Classification: Benign. Last evaluated: 2026-02-01. Review status: criteria provided, single submitter. Criteria: Invitae Variant Classification Sherloc (09022015). Collection method: clinical testing. Allele origin: germline.

Ambry Genetics
Classification: Uncertain significance for Inborn genetic diseases. Last evaluated: 2025-08-25. Review status: criteria provided, single submitter. Criteria: Ambry Variant Classification Scheme 2023. Collection method: clinical testing. Allele origin: germline.

Blueprint Genetics
Classification: Likely benign. Last evaluated: 2024-10-30. Review status: criteria provided, single submitter. Criteria: ACMG Guidelines, 2015. Collection method: clinical testing. Allele origin: germline.

CeGaT Center for Human Genetics Tuebingen
Classification: Likely benign. Last evaluated: 2023-10-01. Review status: criteria provided, single submitter. Criteria: CeGaT Center For Human Genetics Tuebingen Variant Classification Criteria Version 2. Collection method: clinical testing. Allele origin: germline. Affected: yes. Observed: 1 variant allele.
Comment: VCAN: BP4, BS1